The following is an entry in ClinVar:

ClinVar aggregate classification (germline): Likely pathogenic (1 of 4 stars; one submission).

Conditions:
Retinitis pigmentosa 1 (RP1). Identifiers: Orphanet 791, MedGen C0220701, MONDO:0008377, OMIM 180100.

Submission:

Molecular Genetics, Royal Melbourne Hospital
Classification: Likely pathogenic for Retinitis pigmentosa 1. Last evaluated: 2020-04-23. Review status: criteria provided, single submitter. Criteria: ACMG Guidelines, 2015. Collection method: clinical testing. Allele origin: germline. Affected: yes.
Comment: This sequence change is a complex deletion 2 bp and insertion of 4 bp in exon 4 (of 4) of RP1 that is predicted to create a premature termination codon at position 699 (p.Lys698Serfs*2). While this is not anticipated to result in nonsense mediated decay, it is expected to remove the last 1,457 amino acids (68%) of the protein. The last exon is present in a biologically relevant transcript, and multiple pathogenic predicted loss of function variants are present downstream of the variant (ClinVar - PVS1_Strong). The variant is absent in a large population cohort (gnomAD v2.1 - PM2). This variant has not been reported in relevant medical literature or databases. Based on the classification scheme RMH ACMG Guidelines v1.2.1, this variant is classified as LIKELY PATHOGENIC. Following criteria are met: PVS1_Strong, PM2.

NM_006269.2(RP1):c.2092_2093delinsTCTT (p.Lys698fs)

Gene: RP1 (RP1 axonemal microtubule associated; plus strand). Cytogenetic location: 8q12.1.
Variant type: Indel.
Coding change: c.2092_2093delinsTCTT on transcript NM_006269.2 (MANE Select); coding-DNA positions 2092 to 2093, AA replaced by TCTT.
Protein change: p.Lys698fs; shifts the reading frame from lysine 698.
Molecular consequence: frameshift variant. On other transcripts: intron variant (1).
Genome position (GRCh38, 1-based): chr8:54,625,974-54,625,975, AA replaced by TCTT. VCF-style: chr8-54625974-AA-TCTT. GRCh37 (hg19) VCF-style: chr8-55538534-AA-TCTT.
Other names: c.787+3686_787+3687delinsTCTT (NM_001375654.1); c.2092_2093delAAinsTCTT (NM_006269.2); short protein forms K698fs.
Identifiers: ClinVar variation 1678577 (VCV001678577.2), dbSNP rs2129316420, ClinGen allele CA916079845.
Genomic context (GRCh38, chr8:54,625,974, plus strand): 5'-CAGCAAGCAATAAATTCCAGGTATCAAGATGGACAGCTTGCAACCAAAGGAATTCTTAAT[AA>TCTT]GAATGAGAGAATAAACACAAAAGGTAGAATTACAAAGGAAATGATAGTGCAAGATTCAGA-3'